The following is an entry in ClinVar:

NM_182931.3(KMT2E):c.1961T>C (p.Phe654Ser)

Gene: KMT2E (lysine methyltransferase 2E (inactive); plus strand). Cytogenetic location: 7q22.3.
Variant type: single nucleotide variant.
Coding change: c.1961T>C on transcript NM_182931.3 (MANE Select); coding-DNA position 1961, T replaced by C.
Protein change: p.Phe654Ser; replaces phenylalanine 654 with serine.
Molecular consequence: missense variant.
Genome position (GRCh38, 1-based): chr7:105,101,959, T>C. VCF-style: chr7-105101959-T-C. GRCh37 (hg19) VCF-style: chr7-104742406-T-C.
Other names: c.1961T>C, p.Phe654Ser (NM_018682.4); short protein forms F654S.
Identifiers: ClinVar variation 1331215 (VCV001331215.2), dbSNP rs2129569507, ClinGen allele CA368784701.

ClinVar aggregate classification (germline): Uncertain significance (1 of 4 stars; one submission).

Submission:

GeneDx
Classification: Uncertain significance. Last evaluated: 2021-06-29. Review status: criteria provided, single submitter. Criteria: GeneDx Variant Classification Process June 2021. Collection method: clinical testing. Allele origin: germline. Affected: yes.
Comment: Not observed at significant frequency in large population cohorts (Lek et al., 2016); In silico analysis supports that this missense variant has a deleterious effect on protein structure/function; Has not been previously published as pathogenic or benign to our knowledge; This variant is associated with the following publications: (PMID: 27535533)